The following is an entry in ClinVar:

ClinVar aggregate classification (germline): Uncertain significance. Review status: criteria provided, single submitter (1 of 4 stars). 2 submissions from 2 submitters: Uncertain significance (1). 1 of the submissions does not count toward it. Last evaluated 2025-01-22.

Conditions:
SEC23B-related disorder. Also called: SEC23B-related disorders; SEC23B-related condition.
Inborn genetic diseases. Identifiers: MedGen C0950123, MeSH D030342.

gnomAD v4.1: 6 of 1,613,976 alleles (0.00037%); highest among the groups gnomAD compares: Non-Finnish European, 0.00051%; no homozygotes.

Submissions (2):

Ambry Genetics
Classification: Uncertain significance for Inborn genetic diseases. Last evaluated: 2025-01-22. Review status: criteria provided, single submitter. Criteria: Ambry Variant Classification Scheme 2023. Collection method: clinical testing. Allele origin: germline.

PreventionGenetics, part of Exact Sciences
Classification: Uncertain significance for SEC23B-related condition. Last evaluated: 2024-09-24. Review status: no assertion criteria provided. Collection method: clinical testing. Allele origin: germline. Not counted in ClinVar's aggregate classification.
Comment: The SEC23B c.89A>C variant is predicted to result in the amino acid substitution p.Glu30Ala. To our knowledge, this variant has not been reported in the literature. This variant is reported in 0.0015% of alleles in individuals of European (Non-Finnish) descent in gnomAD. At this time, the clinical significance of this variant is uncertain due to the absence of conclusive functional and genetic evidence.

NM_006363.6(SEC23B):c.89A>C (p.Glu30Ala)

Gene: SEC23B (SEC23 homolog B, COPII component; plus strand). Cytogenetic location: 20p11.23.
Variant type: single nucleotide variant.
Coding change: c.89A>C on transcript NM_006363.6 (MANE Select); coding-DNA position 89, A replaced by C.
Protein change: p.Glu30Ala; replaces glutamic acid 30 with alanine.
Molecular consequence: missense variant.
Genome position (GRCh38, 1-based): chr20:18,510,924, A>C. VCF-style: chr20-18510924-A-C. GRCh37 (hg19) VCF-style: chr20-18491568-A-C.
Other names: c.89A>C, p.Glu30Ala (NM_001172745.3, NM_001172746.3, NM_032985.6 and 1 more transcripts); short protein forms E30A.
Identifiers: ClinVar variation 3358040 (VCV003358040.2).
Genomic context (GRCh38, chr20:18,510,924, plus strand): 5'-AGAATGAAGAACGGGATGGTGTGCGTTTTAGTTGGAACGTGTGGCCTTCCAGCCGGCTGG[A>C]GGCTACAAGAATGGTTGTACCCCTGGCTTGTCTCCTTACTCCTTTGAAAGAACGTCCAGA-3'
Protein context (NP_006354.2, residues 20-40): SWNVWPSSRL[Glu30Ala]ATRMVVPLAC